The following is an entry in ClinVar:

NM_001972.4(ELANE):c.493A>G (p.Ile165Val)

Gene: ELANE (elastase, neutrophil expressed; plus strand). Cytogenetic location: 19p13.3.
Variant type: single nucleotide variant.
Coding change: c.493A>G on transcript NM_001972.4 (MANE Select); coding-DNA position 493, A replaced by G.
Protein change: p.Ile165Val; replaces isoleucine 165 with valine.
Molecular consequence: missense variant.
Genome position (GRCh38, 1-based): chr19:855,690, A>G. VCF-style: chr19-855690-A-G. GRCh37 (hg19) VCF-style: chr19-855690-A-G.
Other names: c.493A>G (LRG_57t1); short protein forms I165V.
Identifiers: ClinVar variation 664815 (VCV000664815.12), dbSNP rs1599294094, ClinGen allele CA402918357.
Genomic context (GRCh38, chr19:855,690, plus strand): 5'-CTGGGCAACGGGGTGCAGTGCCTGGCCATGGGCTGGGGCCTTCTGGGCAGGAACCGTGGG[A>G]TCGCCAGCGTCCTGCAGGAGCTCAACGTGACGGTGGTGACGTCCCTCTGCCGTCGCAGCA-3'
Protein context (NP_001963.1, residues 155-175): GWGLLGRNRG[Ile165Val]ASVLQELNVT

ClinVar aggregate classification (germline): Uncertain significance. Review status: criteria provided, multiple submitters, no conflicts (2 of 4 stars). 2 submissions from 2 submitters: Uncertain significance (2). Last evaluated 2026-04-18.

Conditions:
Cyclical neutropenia. Also called: Cyclic hematopoiesis; Cyclic Neutropenia. Identifiers: Orphanet 2686, MedGen C0221023, MONDO:0008090, OMIM 162800, HP:0040289. Disease mechanism: loss of function.
Neutropenia, severe congenital, 1, autosomal dominant. Identifiers: MedGen C1859966, MONDO:0042490, OMIM 202700.
Inborn genetic diseases. Identifiers: MedGen C0950123, MeSH D030342.

Submissions (2):

Ambry Genetics
Classification: Uncertain significance for Inborn genetic diseases. Last evaluated: 2026-04-18. Review status: criteria provided, single submitter. Criteria: Ambry Variant Classification Scheme 2023. Collection method: clinical testing. Allele origin: germline.
Comment: The p.I165V variant (also known as c.493A>G), located in coding exon 4 of the ELANE gene, results from an A to G substitution at nucleotide position 493. The isoleucine at codon 165 is replaced by valine, an amino acid with highly similar properties. This amino acid position is conserved. In addition, this alteration is predicted to be tolerated by in silico analysis. Based on the available evidence, the clinical significance of this variant remains unclear.

Labcorp Genetics (formerly Invitae), Labcorp
Classification: Uncertain significance for Neutropenia, severe congenital, 1, autosomal dominant; Cyclical neutropenia. Last evaluated: 2022-11-15. Review status: criteria provided, single submitter. Criteria: Invitae Variant Classification Sherloc (09022015). Collection method: clinical testing. Allele origin: germline.
Comment: Advanced modeling of protein sequence and biophysical properties (such as structural, functional, and spatial information, amino acid conservation, physicochemical variation, residue mobility, and thermodynamic stability) performed at Invitae indicates that this missense variant is not expected to disrupt ELANE protein function. ClinVar contains an entry for this variant (Variation ID: 664815). This variant has not been reported in the literature in individuals affected with ELANE-related conditions. This variant is not present in population databases (gnomAD no frequency). This sequence change replaces isoleucine, which is neutral and non-polar, with valine, which is neutral and non-polar, at codon 165 of the ELANE protein (p.Ile165Val). In summary, the available evidence is currently insufficient to determine the role of this variant in disease. Therefore, it has been classified as a Variant of Uncertain Significance.